The following is an entry in ClinVar:

NM_004104.5(FASN):c.5560G>A (p.Val1854Met)

Gene: FASN (fatty acid synthase; minus strand). Cytogenetic location: 17q25.3.
Variant type: single nucleotide variant.
Coding change: c.5560G>A on transcript NM_004104.5 (MANE Select); coding-DNA position 5560, G replaced by A.
Protein change: p.Val1854Met; replaces valine 1854 with methionine.
Molecular consequence: missense variant.
Genome position (GRCh38, 1-based): chr17:82,083,207, C>T on the plus strand (G>A on the coding strand, the complement: FASN is on the minus strand). VCF-style: chr17-82083207-C-T. GRCh37 (hg19) VCF-style: chr17-80041083-C-T.
Other names: c.5560G>A (NM_004104.4); short protein forms V1854M.
Identifiers: ClinVar variation 1037238 (VCV001037238.7), dbSNP rs369551210, ClinGen allele CA8851654.

ClinVar aggregate classification (germline): Uncertain significance. Review status: criteria provided, multiple submitters, no conflicts (2 of 4 stars). 2 submissions from 2 submitters: Uncertain significance (2). Last evaluated 2025-08-11.

Conditions:
Epileptic encephalopathy. Identifiers: MedGen C0543888, HP:0200134.

Allele frequency attached by ClinVar (database versions not stated): gnomAD exomes 0.00004 and 0.00006; TOPMed 0.00004; ExAC 0.00005; gnomAD 0.00005; ESP Exome Variant Server 0.00008.
gnomAD v4.1: 90 of 1,612,468 alleles (0.0056%); highest among the groups gnomAD compares: Non-Finnish European, 0.0064%; no homozygotes.

Submissions (2):

Labcorp Genetics (formerly Invitae), Labcorp
Classification: Uncertain significance for Epileptic encephalopathy. Last evaluated: 2025-08-11. Review status: criteria provided, single submitter. Criteria: Invitae Variant Classification Sherloc (09022015). Collection method: clinical testing. Allele origin: germline.
Comment: This sequence change replaces valine, which is neutral and non-polar, with methionine, which is neutral and non-polar, at codon 1854 of the FASN protein (p.Val1854Met). This variant is present in population databases (rs369551210, gnomAD 0.007%). This variant has not been reported in the literature in individuals affected with FASN-related conditions. ClinVar contains an entry for this variant (Variation ID: 1037238). An algorithm developed to predict the effect of missense changes on protein structure and function (PolyPhen-2) suggests that this variant is likely to be tolerated. In summary, the available evidence is currently insufficient to determine the role of this variant in disease. Therefore, it has been classified as a Variant of Uncertain Significance.

Ambry Genetics
Classification: Uncertain significance. Last evaluated: 2021-07-15. Review status: criteria provided, single submitter. Criteria: Ambry Variant Classification Scheme 2023. Collection method: clinical testing. Allele origin: germline.